The following is an entry in ClinVar:

NM_006579.3(EBP):c.248_252dup (p.Leu85fs)

Gene: EBP (EBP cholestenol delta-isomerase; plus strand). Cytogenetic location: Xp11.23.
Variant type: Duplication.
Coding change: c.248_252dup on transcript NM_006579.3 (MANE Select); coding-DNA positions 248 to 252, 5 bases duplicated (TCGTT; older notation c.248_252dupTCGTT).
Protein change: p.Leu85fs; shifts the reading frame from leucine 85.
Molecular consequence: frameshift variant.
Genome position (GRCh38, 1-based): chrX:48,524,019-48,524,023, TCGTT duplicated; duplicating any 5 consecutive bases within chrX:48,524,018-48,524,023 gives the same sequence; the c. name uses the placement nearest the transcript's 3' end. VCF-style (leftmost placement, unchanged base first): chrX-48524017-G-GTTCGT. GRCh37 (hg19) VCF-style: chrX-48382405-G-GTTCGT.
Other names: short protein forms L85fs.
Identifiers: ClinVar variation 3662928 (VCV003662928.2).

ClinVar aggregate classification (germline): Pathogenic (1 of 4 stars; one submission).

Submission:

Labcorp Genetics (formerly Invitae), Labcorp
Classification: Pathogenic. Last evaluated: 2024-08-20. Review status: criteria provided, single submitter. Criteria: Invitae Variant Classification Sherloc (09022015). Collection method: clinical testing. Allele origin: germline.
Comment: This sequence change creates a premature translational stop signal (p.Leu85Serfs*55) in the EBP gene. It is expected to result in an absent or disrupted protein product. Loss-of-function variants in EBP are known to be pathogenic (PMID: 10391218). This variant is not present in population databases (gnomAD no frequency). This variant has not been reported in the literature in individuals affected with EBP-related conditions. For these reasons, this variant has been classified as Pathogenic.

Literature cited by the submitters: PubMed 10391218.